The following is an entry in ClinVar:

NM_006231.4(POLE):c.2174A>G (p.Asp725Gly)

Gene: POLE (DNA polymerase epsilon, catalytic subunit; minus strand). Cytogenetic location: 12q24.33.
Variant type: single nucleotide variant.
Coding change: c.2174A>G on transcript NM_006231.4 (MANE Select); coding-DNA position 2174, A replaced by G.
Protein change: p.Asp725Gly; replaces aspartic acid 725 with glycine.
Molecular consequence: missense variant.
Genome position (GRCh38, 1-based): chr12:132,667,648, T>C on the plus strand (A>G on the coding strand, the complement: POLE is on the minus strand). VCF-style: chr12-132667648-T-C. GRCh37 (hg19) VCF-style: chr12-133244234-T-C.
Other names: short protein forms D725G.
Identifiers: ClinVar variation 1787151 (VCV001787151.2), dbSNP rs2042827319, ClinGen allele CA387353386.
Genomic context (GRCh38, chr12:132,667,648, plus strand): 5'-GTGGTGAGACGCTCTTCCACCTTGGTGATGTGGATCTTCTTGTAGGCTTTCCGGCAGTAA[T>C]CTAAGCACGACGGAGATGGGCAGAGCAGGTGGGTGAGATCTCCCAGAGCAGAGGGAGCCA-3'
Protein context (NP_006222.2, residues 715-735): QAKYEKRRLA[Asp725Gly]YCRKAYKKIH

ClinVar aggregate classification (germline): Uncertain significance (1 of 4 stars; one submission).

Conditions:
Hereditary cancer-predisposing syndrome. Also called: Neoplastic Syndromes, Hereditary; Tumor predisposition; Hereditary Cancer Syndrome; Hereditary neoplastic syndrome. Identifiers: Orphanet 140162, MedGen C0027672, MeSH D009386, MONDO:0015356.

Submission:

Ambry Genetics
Classification: Uncertain significance for Hereditary cancer-predisposing syndrome. Last evaluated: 2021-07-27. Review status: criteria provided, single submitter. Criteria: Ambry Variant Classification Scheme 2023. Collection method: clinical testing. Allele origin: germline.
Comment: The p.D725G variant (also known as c.2174A>G) is located in coding exon 20 of the POLE gene. The aspartic acid at codon 725 is replaced by glycine, an amino acid with similar properties. This change occurs in the first base pair of coding exon 20. This amino acid position is conserved. In addition, the in silico prediction for this alteration is inconclusive. Since supporting evidence is limited at this time, the clinical significance of this alteration remains unclear.